The following is an entry in ClinVar:

NM_004369.4(COL6A3):c.8798C>A (p.Pro2933Gln)

Gene: COL6A3 (collagen type VI alpha 3 chain; minus strand). Cytogenetic location: 2q37.3.
Variant type: single nucleotide variant.
Coding change: c.8798C>A on transcript NM_004369.4 (MANE Select); coding-DNA position 8798, C replaced by A.
Protein change: p.Pro2933Gln; replaces proline 2933 with glutamine.
Molecular consequence: missense variant.
Genome position (GRCh38, 1-based): chr2:237,336,302, G>T on the plus strand (C>A on the coding strand, the complement: COL6A3 is on the minus strand). VCF-style: chr2-237336302-G-T. GRCh37 (hg19) VCF-style: chr2-238244945-G-T.
Other names: c.6977C>A, p.Pro2326Gln (NM_057166.5); c.8180C>A, p.Pro2727Gln (NM_057167.4); short protein forms P2326Q, P2933Q, P2727Q.
Identifiers: ClinVar variation 2764780 (VCV002764780.3), dbSNP rs373550111, ClinGen allele CA351191525.
Genomic context (GRCh38, chr2:237,336,302, plus strand): 5'-CTTACAGCTGCTGGCTTTGCTGCTACAGGCTTCGCTGCCGTTGCTGGCTTCACCGCCACT[G>T]GGGGTCTAACAGTGGCCATCTTTGTGGCCACAGGCTTGGCAGCCACAGGTTTCGCAGGGG-3'
Protein context (NP_004360.2, residues 2923-2943): VATKMATVRP[Pro2933Gln]VAVKPATAAK

ClinVar aggregate classification (germline): Uncertain significance (1 of 4 stars; one submission).

Conditions:
Bethlem myopathy 1A. Also called: Bethlem myopathy 1; Bethlem Muscular Dystrophy; MYOPATHY, BENIGN CONGENITAL, WITH CONTRACTURES. Identifiers: Orphanet 610, MedGen CN029274, MONDO:0024530, OMIM 158810.

Submission:

Labcorp Genetics (formerly Invitae), Labcorp
Classification: Uncertain significance for Bethlem myopathy 1A. Last evaluated: 2023-11-07. Review status: criteria provided, single submitter. Criteria: Invitae Variant Classification Sherloc (09022015). Collection method: clinical testing. Allele origin: germline.
Comment: This sequence change replaces proline, which is neutral and non-polar, with glutamine, which is neutral and polar, at codon 2933 of the COL6A3 protein (p.Pro2933Gln). This variant is not present in population databases (gnomAD no frequency). This variant has not been reported in the literature in individuals affected with COL6A3-related conditions. Advanced modeling of protein sequence and biophysical properties (such as structural, functional, and spatial information, amino acid conservation, physicochemical variation, residue mobility, and thermodynamic stability) performed at Invitae indicates that this missense variant is not expected to disrupt COL6A3 protein function with a negative predictive value of 95%. In summary, the available evidence is currently insufficient to determine the role of this variant in disease. Therefore, it has been classified as a Variant of Uncertain Significance.